The following is an entry in ClinVar:

NM_019040.5(ELP4):c.801C>T (p.Asp267=)

Gene: ELP4 (elongator acetyltransferase complex subunit 4; plus strand). Cytogenetic location: 11p13.
Variant type: single nucleotide variant.
Coding change: c.801C>T on transcript NM_019040.5 (MANE Select); coding-DNA position 801, C replaced by T.
Protein change: p.Asp267=; no amino-acid change (aspartic acid 267 retained).
Molecular consequence: synonymous variant.
Genome position (GRCh38, 1-based): chr11:31,632,279, C>T. VCF-style: chr11-31632279-C-T. GRCh37 (hg19) VCF-style: chr11-31653826-C-T.
Other names: c.804C>T, p.Asp268= (NM_001288725.2); c.801C>T, p.Asp267= (NM_001288726.2).
Identifiers: ClinVar variation 778725 (VCV000778725.9), dbSNP rs755225560, ClinGen allele CA5933378.

ClinVar aggregate classification (germline): Likely benign. Review status: criteria provided, multiple submitters, no conflicts (2 of 4 stars). 2 submissions from 2 submitters: Likely benign (2). Last evaluated 2025-10-01.

Allele frequency attached by ClinVar (database versions not stated): TOPMed 0.00002; gnomAD 0.00003; gnomAD exomes 0.00004.
gnomAD v4.1: 65 of 1,612,574 alleles (0.004%); highest among the groups gnomAD compares: Middle Eastern, 0.017%; no homozygotes.

Submissions (2):

CeGaT Center for Human Genetics Tuebingen
Classification: Likely benign. Last evaluated: 2025-10-01. Review status: criteria provided, single submitter. Criteria: CeGaT Center For Human Genetics Tuebingen Variant Classification Criteria Version 2. Collection method: clinical testing. Allele origin: germline. Affected: yes. Observed: 1 variant allele.
Comment: ELP4: BP4, BP7

Labcorp Genetics (formerly Invitae), Labcorp
Classification: Likely benign. Last evaluated: 2018-03-07. Review status: criteria provided, single submitter. Criteria: Invitae Variant Classification Sherloc (09022015). Collection method: clinical testing. Allele origin: germline.